The following is an entry in ClinVar:

NM_000258.3(MYL3):c.411G>A (p.Leu137=)

Gene: MYL3 (myosin light chain 3; minus strand). Cytogenetic location: 3p21.31.
Variant type: single nucleotide variant.
Coding change: c.411G>A on transcript NM_000258.3 (MANE Select); coding-DNA position 411, G replaced by A.
Protein change: p.Leu137=; no amino-acid change (leucine 137 retained).
Molecular consequence: synonymous variant.
Genome position (GRCh38, 1-based): chr3:46,859,545, C>T on the plus strand (G>A on the coding strand, the complement: MYL3 is on the minus strand). VCF-style: chr3-46859545-C-T. GRCh37 (hg19) VCF-style: chr3-46901035-C-T.
Identifiers: ClinVar variation 701416 (VCV000701416.20), dbSNP rs2233265, ClinGen allele CA044089.
Genomic context (GRCh38, chr3:46,859,545, plus strand): 5'-CAGCACGTGGCGAAGCTCAGCACCCATGACAGTGCCATTGCCCTCCTTGTCGAAGACCCG[C>T]AGCCCCTCCACGAAGTCCTCATAGGTGCCTGTGTCCTTGTTCTTGGAAATGTGCTGGAGC-3'
Protein context (NP_000249.1, residues 127-147): TGTYEDFVEG[Leu137=]RVFDKEGNGT

ClinVar aggregate classification (germline): Benign/Likely benign. Review status: criteria provided, multiple submitters, no conflicts (2 of 4 stars). 5 submissions from 5 submitters: Benign (2); Likely benign (3). Last evaluated 2026-06-01.

Conditions:
Cardiovascular phenotype. Identifiers: MedGen CN230736.
Hypertrophic cardiomyopathy. Also called: HYPERTROPHIC MYOCARDIOPATHY. Identifiers: Orphanet 217569, MedGen C0007194, MeSH D002312, MONDO:0005045, HP:0001639.
Cardiomyopathy (CMYO). Also called: Cardiomyopathies. Identifiers: Orphanet 167848, MedGen C0878544, MONDO:0004994, HP:0001638. Inheritance: Various modes of inheritance.

gnomAD v4.1: 24 of 1,614,130 alleles (0.0015%); highest among the groups gnomAD compares: Admixed American, 0.04%; no homozygotes.

Submissions (5):

CeGaT Center for Human Genetics Tuebingen
Classification: Likely benign. Last evaluated: 2026-06-01. Review status: criteria provided, single submitter. Criteria: CeGaT Center For Human Genetics Tuebingen Variant Classification Criteria Version 2. Collection method: clinical testing. Allele origin: germline. Affected: yes. Observed: 2 variant alleles.
Comment: MYL3: BP4, BP7

Labcorp Genetics (formerly Invitae), Labcorp
Classification: Likely benign for Hypertrophic cardiomyopathy. Last evaluated: 2025-05-13. Review status: criteria provided, single submitter. Criteria: Invitae Variant Classification Sherloc (09022015). Collection method: clinical testing. Allele origin: germline.

Ambry Genetics
Classification: Likely benign for Cardiovascular phenotype. Last evaluated: 2024-02-17. Review status: criteria provided, single submitter. Criteria: Ambry Variant Classification Scheme 2023. Collection method: clinical testing. Allele origin: germline.

All of Us Research Program, National Institutes of Health
Classification: Benign for Hypertrophic cardiomyopathy. Last evaluated: 2023-12-18. Review status: criteria provided, single submitter. Criteria: ACMG Guidelines, 2015. Collection method: clinical testing. Allele origin: germline. Inheritance: Autosomal dominant inheritance. Observed: 5 variant alleles, 5 heterozygotes.
Comment: This study involves interpretation of variants in research participants for the purpose of population health screening. Participant phenotype was not available at the time of variant classification. Additional details can be found in publication PMID: 35346344, PMCID: PMC8962531

Color Diagnostics, LLC DBA Color Health
Classification: Benign for Cardiomyopathy. Last evaluated: 2022-05-27. Review status: criteria provided, single submitter. Criteria: ACMG Guidelines, 2015. Collection method: clinical testing. Allele origin: germline.